The following is an entry in ClinVar:

ClinVar aggregate classification (germline): Uncertain significance (1 of 4 stars; one submission).

Submission:

Labcorp Genetics (formerly Invitae), Labcorp
Classification: Uncertain significance. Last evaluated: 2024-12-26. Review status: criteria provided, single submitter. Criteria: Invitae Variant Classification Sherloc (09022015). Collection method: clinical testing. Allele origin: germline.
Comment: This sequence change replaces valine, which is neutral and non-polar, with glycine, which is neutral and non-polar, at codon 357 of the TCF3 protein (p.Val357Gly). This variant is not present in population databases (gnomAD no frequency). This variant has not been reported in the literature in individuals affected with TCF3-related conditions. ClinVar contains an entry for this variant (Variation ID: 2986369). Invitae Evidence Modeling of protein sequence and biophysical properties (such as structural, functional, and spatial information, amino acid conservation, physicochemical variation, residue mobility, and thermodynamic stability) indicates that this missense variant is expected to disrupt TCF3 protein function with a positive predictive value of 80%. In summary, the available evidence is currently insufficient to determine the role of this variant in disease. Therefore, it has been classified as a Variant of Uncertain Significance.

NM_003200.5(TCF3):c.1070T>G (p.Val357Gly)

Gene: TCF3 (transcription factor 3; minus strand). Cytogenetic location: 19p13.3.
Variant type: single nucleotide variant.
Coding change: c.1070T>G on transcript NM_003200.5 (MANE Select); coding-DNA position 1070, T replaced by G.
Protein change: p.Val357Gly; replaces valine 357 with glycine.
Molecular consequence: missense variant.
Genome position (GRCh38, 1-based): chr19:1,620,991, A>C on the plus strand (T>G on the coding strand, the complement: TCF3 is on the minus strand). VCF-style: chr19-1620991-A-C. GRCh37 (hg19) VCF-style: chr19-1620990-A-C.
Other names: c.1070T>G, p.Val357Gly (NM_001136139.4, NM_001351778.2, NM_001351779.2); short protein forms V357G.
Identifiers: ClinVar variation 2986369 (VCV002986369.3), dbSNP rs2146079825, ClinGen allele CA403054083.